The following is an entry in ClinVar:

ClinVar aggregate classification (germline): Likely benign (1 of 4 stars; one submission).

Allele frequency attached by ClinVar (database versions not stated): 1000 Genomes Project 0.00100; 1000 Genomes Project 30x 0.00125; ExAC 0.00130; gnomAD 0.00165; TOPMed 0.00175; ESP Exome Variant Server 0.00215; gnomAD exomes 0.00251.
gnomAD v4.1: 3,869 of 1,585,680 alleles (0.24%); highest among the groups gnomAD compares: Non-Finnish European, 0.3%; 6 homozygotes.

Submission:

CeGaT Center for Human Genetics Tuebingen
Classification: Likely benign. Last evaluated: 2025-11-01. Review status: criteria provided, single submitter. Criteria: CeGaT Center For Human Genetics Tuebingen Variant Classification Criteria Version 2. Collection method: clinical testing. Allele origin: germline. Affected: yes. Observed: 4 variant alleles.
Comment: MUC5B: BP4, BS1

NM_002458.3(MUC5B):c.14896G>A (p.Gly4966Ser)

Gene: MUC5B (mucin 5B, oligomeric mucus/gel-forming; plus strand). Cytogenetic location: 11p15.5.
Variant type: single nucleotide variant.
Coding change: c.14896G>A on transcript NM_002458.3 (MANE Select); coding-DNA position 14896, G replaced by A.
Protein change: p.Gly4966Ser; replaces glycine 4966 with serine.
Molecular consequence: missense variant.
Genome position (GRCh38, 1-based): chr11:1,252,375, G>A. VCF-style: chr11-1252375-G-A. GRCh37 (hg19) VCF-style: chr11-1273605-G-A.
Other names: short protein forms G4966S.
Identifiers: ClinVar variation 2641313 (VCV002641313.24), dbSNP rs56217440, ClinGen allele CA5808875.